The following is an entry in ClinVar:

NM_001042492.3(NF1):c.2620A>T (p.Lys874Ter)

Gene: NF1 (neurofibromin 1; plus strand). Cytogenetic location: 17q11.2.
Variant type: single nucleotide variant.
Coding change: c.2620A>T on transcript NM_001042492.3 (MANE Select); coding-DNA position 2620, A replaced by T.
Protein change: p.Lys874Ter; replaces lysine 874 with a stop codon.
Molecular consequence: nonsense.
Genome position (GRCh38, 1-based): chr17:31,229,235, A>T. VCF-style: chr17-31229235-A-T. GRCh37 (hg19) VCF-style: chr17-29556253-A-T.
Other names: c.2620A>T, p.Lys874Ter (NM_000267.4); short protein forms K874*.
Identifiers: ClinVar variation 2736530 (VCV002736530.3), dbSNP rs2151429268, ClinGen allele CA398984506.
Genomic context (GRCh38, chr17:31,229,235, plus strand): 5'-CAGAGAAGCAATTCTGGCCTGGCAACCTATAGCCCACCCATGGGTCCAGTCAGTGAACGT[A>T]AGGGTTCTATGATTTCAGTGATGTCTTCAGAGGGAAACGCAGATACACCTGTCAGCAAAT-3'

ClinVar aggregate classification (germline): Pathogenic (1 of 4 stars; one submission).

Conditions:
Neurofibromatosis, type 1 (NF1). Also called: Neurofibromatosis, type I; Peripheral type neurofibromatosis; VON RECKLINGHAUSEN DISEASE; NEUROFIBROMATOSIS, TYPE I, SOMATIC. Identifiers: Orphanet 636, MedGen C0027831, MONDO:0018975, OMIM 162200. Disease mechanism: loss of function.

Submission:

Labcorp Genetics (formerly Invitae), Labcorp
Classification: Pathogenic for Neurofibromatosis, type 1. Last evaluated: 2023-04-26. Review status: criteria provided, single submitter. Criteria: Invitae Variant Classification Sherloc (09022015). Collection method: clinical testing. Allele origin: germline.
Comment: This premature translational stop signal has been observed in individual(s) with clinical features of neurofibromatosis, type 1 (PMID: 26056819, 30530636, 35885913). This variant is not present in population databases (gnomAD no frequency). This sequence change creates a premature translational stop signal (p.Lys874*) in the NF1 gene. It is expected to result in an absent or disrupted protein product. Loss-of-function variants in NF1 are known to be pathogenic (PMID: 10712197, 23913538). For these reasons, this variant has been classified as Pathogenic.

Literature cited by the submitters: PubMed 26056819; PubMed 30530636; PubMed 35885913; PubMed 10712197; PubMed 23913538.